The following is an entry in ClinVar:

ClinVar aggregate classification (germline): Uncertain significance (1 of 4 stars; one submission).

Submission:

Labcorp Genetics (formerly Invitae), Labcorp
Classification: Uncertain significance. Last evaluated: 2023-11-04. Review status: criteria provided, single submitter. Criteria: Invitae Variant Classification Sherloc (09022015). Collection method: clinical testing. Allele origin: germline.
Comment: This variant, c.1277_1279dup, results in the insertion of 1 amino acid(s) of the DFNA5 protein (p.Asp426dup), but otherwise preserves the integrity of the reading frame. This variant is not present in population databases (gnomAD no frequency). This variant has not been reported in the literature in individuals affected with DFNA5-related conditions. In summary, the available evidence is currently insufficient to determine the role of this variant in disease. Therefore, it has been classified as a Variant of Uncertain Significance.

NM_001127453.2(GSDME):c.1274ATG[3] (p.Asp426_Gly427insAsp)

Gene: GSDME (gasdermin E; minus strand). Cytogenetic location: 7p15.3.
Variant type: Microsatellite.
Coding change: c.1274ATG[3] on transcript NM_001127453.2 (MANE Select); three copies in a row of the 3-base unit ATG starting at c.1274; the reference has two copies in a row; one copy, 3 bases duplicated.
Protein change: p.Asp426_Gly427insAsp.
Molecular consequence: inframe insertion.
Genome position (GRCh38, 1-based): chr7:24,699,238-24,699,240, CAT duplicated on the plus strand (ATG on the coding strand, the reverse complement: GSDME is on the minus strand); duplicating any 3 consecutive bases within chr7:24,699,238-24,699,245 gives the same sequence; the position shown is the placement nearest the transcript's 3' end. VCF-style (leftmost placement, unchanged base first): chr7-24699237-C-CCAT. GRCh37 (hg19) VCF-style: chr7-24738856-C-CCAT.
Other names: c.782ATG[3], p.Asp262_Gly263insAsp (NM_001127454.2); c.1274ATG[3], p.Asp426_Gly427insAsp (NM_004403.3).
Identifiers: ClinVar variation 2984413 (VCV002984413.3), dbSNP rs374353052, ClinGen allele CA2682077724.
Genomic context (GRCh38, chr7:24,699,237, plus strand): 5'-ATCCCAAACCTTTCTGTATCTTTCAGGGGAGTCAAGGTTGGGTCTTCAAGATCAGATACT[C>CCAT]CATCATCAGACAGAGCACGAAGCTGAAATGACACATTTAAACAAATTCACTTTTAAAATG-3'